The following is an entry in ClinVar:

ClinVar aggregate classification (germline): Likely benign (1 of 4 stars; one submission).

Conditions:
Woodhouse-Sakati syndrome. Also called: Hypogonadism, Alopecia, Diabetes Mellitus, Mental Retardation, and Extrapyramidal Syndrome; Hypogonadism, diabetes mellitus, alopecia, mental retardation and electrocardiographic abnormalities; EXTRAPYRAMIDAL DISORDER, PROGRESSIVE, WITH PRIMARY HYPOGONADISM, MENTAL RETARDATION, AND ALOPECIA. Identifiers: Orphanet 3464, MedGen C0342286, MONDO:0009419, OMIM 241080.

Allele frequency attached by ClinVar (database versions not stated): gnomAD 0.00033 and 0.00024; ExAC 0.00037; gnomAD exomes 0.00038 and 0.00010; 1000 Genomes Project 30x 0.00156; 1000 Genomes Project 0.00140; TOPMed 0.00029; ESP Exome Variant Server 0.00015.
gnomAD v4.1: 238 of 1,613,360 alleles (0.015%); highest among the groups gnomAD compares: East Asian, 0.25%; 3 homozygotes.

Submission:

Illumina Laboratory Services, Illumina
Classification: Likely benign for Woodhouse-Sakati syndrome. Last evaluated: 2018-01-13. Review status: criteria provided, single submitter. Criteria: ICSL Variant Classification Criteria 13 December 2019. Collection method: clinical testing. Allele origin: germline.
Comment: This variant was observed in the ICSL laboratory as part of a predisposition screen in an ostensibly healthy population. It had not been previously curated by ICSL or reported in the Human Gene Mutation Database (HGMD: prior to June 1st, 2018), and was therefore a candidate for classification through an automated scoring system. Utilizing variant allele frequency, disease prevalence and penetrance estimates, and inheritance mode, an automated score was calculated to assess if this variant is too frequent to cause the disease. Based on the score and internal cut-off values, a variant classified as likely benign is not then subjected to further curation. The score for this variant resulted in a classification of likely benign for this disease.

NM_025000.4(DCAF17):c.*15T>C

Gene: DCAF17 (DDB1 and CUL4 associated factor 17; plus strand). Cytogenetic location: 2q31.1.
Variant type: single nucleotide variant.
Coding change: c.*15T>C on transcript NM_025000.4 (MANE Select); 15 bases downstream of the stop codon, T replaced by C.
Molecular consequence: 3 prime UTR variant. On other transcripts: non-coding transcript variant (1).
Genome position (GRCh38, 1-based): chr2:171,481,129, T>C. VCF-style: chr2-171481129-T-C. GRCh37 (hg19) VCF-style: chr2-172337639-T-C.
Other names: c.*15T>C (NM_001164821.2).
Identifiers: ClinVar variation 332273 (VCV000332273.5), dbSNP rs146258833, ClinGen allele CA1964997.